The following is an entry in ClinVar:

ClinVar aggregate classification (germline): Uncertain significance (1 of 4 stars; one submission).

gnomAD v4.1: 1 of 1,210,230 alleles (0.000083%); highest among the groups gnomAD compares: East Asian, 0.003%; no homozygotes.

Submission:

Labcorp Genetics (formerly Invitae), Labcorp
Classification: Uncertain significance. Last evaluated: 2022-09-23. Review status: criteria provided, single submitter. Criteria: Invitae Variant Classification Sherloc (09022015). Collection method: clinical testing. Allele origin: germline.
Comment: This sequence change replaces glutamic acid, which is acidic and polar, with aspartic acid, which is acidic and polar, at codon 610 of the SH3KBP1 protein (p.Glu610Asp). This variant is not present in population databases (gnomAD no frequency). This variant has not been reported in the literature in individuals affected with SH3KBP1-related conditions. Advanced modeling of protein sequence and biophysical properties (such as structural, functional, and spatial information, amino acid conservation, physicochemical variation, residue mobility, and thermodynamic stability) performed at Invitae indicates that this missense variant is not expected to disrupt SH3KBP1 protein function. In summary, the available evidence is currently insufficient to determine the role of this variant in disease. Therefore, it has been classified as a Variant of Uncertain Significance.

NM_031892.3(SH3KBP1):c.1830G>C (p.Glu610Asp)

Gene: SH3KBP1 (SH3 domain containing kinase binding protein 1; minus strand). Cytogenetic location: Xp22.12.
Variant type: single nucleotide variant.
Coding change: c.1830G>C on transcript NM_031892.3 (MANE Select); coding-DNA position 1830, G replaced by C.
Protein change: p.Glu610Asp; replaces glutamic acid 610 with aspartic acid.
Molecular consequence: missense variant.
Genome position (GRCh38, 1-based): chrX:19,541,987, C>G on the plus strand (G>C on the coding strand, the complement: SH3KBP1 is on the minus strand). VCF-style: chrX-19541987-C-G. GRCh37 (hg19) VCF-style: chrX-19560105-C-G.
Other names: c.1719G>C, p.Glu573Asp (NM_001024666.3); c.1116G>C, p.Glu372Asp (NM_001184960.2); c.1701G>C, p.Glu567Asp (NM_001353890.2); c.1905G>C, p.Glu635Asp (NM_001353891.2); c.1776G>C, p.Glu592Asp (NM_001353892.2); c.1728G>C, p.Glu576Asp (NM_001353893.2); c.1599G>C, p.Glu533Asp (NM_001353894.2); c.1656G>C, p.Glu552Asp (NM_001353895.2); and 4 more; short protein forms E610D, E533D, E567D, E573D, E611D, E635D, E329D, E372D.
Identifiers: ClinVar variation 1919510 (VCV001919510.5), dbSNP rs61740276, ClinGen allele CA412495715.